The following is an entry in ClinVar:

ClinVar aggregate classification (germline): Uncertain significance (1 of 4 stars; one submission).

Conditions:
Familial thoracic aortic aneurysm and aortic dissection (TAAD). Also called: Thoracic aortic aneurysms and dissections. Identifiers: Orphanet 91387, MedGen C4707243, MONDO:0019625.

Submission:

Ambry Genetics
Classification: Uncertain significance for Familial thoracic aortic aneurysm and aortic dissection. Last evaluated: 2024-05-12. Review status: criteria provided, single submitter. Criteria: Ambry Variant Classification Scheme 2023. Collection method: clinical testing. Allele origin: germline.
Comment: The p.F225L variant (also known as c.675T>A), located in coding exon 6 of the ACTA2 gene, results from a T to A substitution at nucleotide position 675. The phenylalanine at codon 225 is replaced by leucine, an amino acid with highly similar properties. This amino acid position is conserved. In addition, this alteration is predicted to be deleterious by in silico analysis. Based on the available evidence, the clinical significance of this variant remains unclear.

NM_001613.4(ACTA2):c.675T>A (p.Phe225Leu)

Genes: ACTA2-AS1 (ACTA2 antisense RNA 1; plus strand), ACTA2 (actin alpha 2, smooth muscle; minus strand). Cytogenetic location: 10q23.31.
Variant type: single nucleotide variant.
Coding change: c.675T>A on transcript NM_001613.4 (MANE Select); coding-DNA position 675, T replaced by A.
Protein change: p.Phe225Leu; replaces phenylalanine 225 with leucine.
Molecular consequence: missense variant. On other transcripts: non-coding transcript variant (1), intron variant (1).
Genome position (GRCh38, 1-based): chr10:88,939,640, A>T on the plus strand (T>A on the coding strand, the complement: ACTA2 is on the minus strand). VCF-style: chr10-88939640-A-T. GRCh37 (hg19) VCF-style: chr10-90699397-A-T.
Other names: c.675T>A, p.Phe225Leu (NM_001141945.3, NM_001320855.2, NM_001406462.1 and 2 more transcripts); c.564T>A, p.Phe188Leu (NM_001406466.1); c.546T>A, p.Phe182Leu (NM_001406467.1, NM_001406468.1, NM_001406469.1); c.617-1398T>A (NM_001406471.1); short protein forms F188L, F182L, F225L.
Identifiers: ClinVar variation 3263607 (VCV003263607.1).